The following is an entry in ClinVar:

ClinVar aggregate classification (germline): Benign. Review status: criteria provided, multiple submitters, no conflicts (2 of 4 stars). 3 submissions from 3 submitters: Benign (3). Last evaluated 2026-05-11.

Conditions:
LRP1-related disorder. Also called: LRP1-related condition.

Allele frequency attached by ClinVar (database versions not stated): gnomAD exomes 0.03617 and 0.05492; ESP Exome Variant Server 0.04821; ExAC 0.05504; TOPMed 0.05565; gnomAD 0.05708 and 0.05847; 1000 Genomes Project 30x 0.09041; 1000 Genomes Project 0.09645.
gnomAD v4.1: 62,002 of 1,601,832 alleles (3.9%); highest among the groups gnomAD compares: East Asian, 20%; 2,164 homozygotes.

Submissions (30):

PreventionGenetics, part of Exact Sciences
Classification: Benign for LRP1-related condition. Last evaluated: 2026-05-11. Review status: criteria provided, single submitter. Criteria: ACMG Guidelines, 2015. Collection method: clinical testing. Allele origin: germline.
Comment: This variant is classified as benign based on ACMG/AMP sequence variant interpretation guidelines (Richards et al. 2015 PMID: 25741868, with internal and published modifications).

GeneDx
Classification: Benign. Last evaluated: 2021-06-09. Review status: criteria provided, single submitter. Criteria: GeneDx Variant Classification Process June 2021. Collection method: clinical testing. Allele origin: germline. Affected: yes.

Breakthrough Genomics
Classification: Benign. Review status: criteria provided, single submitter. Criteria: ACMG Guidelines, 2015. Collection method: not provided. Allele origin: germline. Inheritance: Autosomal recessive inheritance. Affected: yes.

Dr. Peter K. Rogan Lab, Western University
No classification provided (evidence only). Condition: Melanoma. Review status: no classification provided. Collection method: in vitro. Allele origin: not applicable. Functional consequence: retained intron. Not counted in ClinVar's aggregate classification.

Dr. Peter K. Rogan Lab, Western University
No classification provided (evidence only). Condition: Melanoma. Review status: no classification provided. Collection method: in vitro. Allele origin: not applicable. Functional consequence: retained intron. Not counted in ClinVar's aggregate classification.

Dr. Peter K. Rogan Lab, Western University
No classification provided (evidence only). Condition: Acute myeloid leukemia. Review status: no classification provided. Collection method: in vitro. Allele origin: not applicable. Functional consequence: retained intron. Not counted in ClinVar's aggregate classification.

Dr. Peter K. Rogan Lab, Western University
No classification provided (evidence only). Condition: Acute myeloid leukemia. Review status: no classification provided. Collection method: in vitro. Allele origin: not applicable. Functional consequence: retained intron. Not counted in ClinVar's aggregate classification.

Dr. Peter K. Rogan Lab, Western University
No classification provided (evidence only). Condition: Acute myeloid leukemia. Review status: no classification provided. Collection method: in vitro. Allele origin: not applicable. Functional consequence: retained intron. Not counted in ClinVar's aggregate classification.

Dr. Peter K. Rogan Lab, Western University
No classification provided (evidence only). Condition: Colon adenocarcinoma. Review status: no classification provided. Collection method: in vitro. Allele origin: not applicable. Functional consequence: retained intron. Not counted in ClinVar's aggregate classification.

Dr. Peter K. Rogan Lab, Western University
No classification provided (evidence only). Condition: Colon adenocarcinoma. Review status: no classification provided. Collection method: in vitro. Allele origin: not applicable. Functional consequence: retained intron. Not counted in ClinVar's aggregate classification.

Dr. Peter K. Rogan Lab, Western University
No classification provided (evidence only). Condition: Colon adenocarcinoma. Review status: no classification provided. Collection method: in vitro. Allele origin: not applicable. Functional consequence: retained intron. Not counted in ClinVar's aggregate classification.

Dr. Peter K. Rogan Lab, Western University
No classification provided (evidence only). Condition: Colon adenocarcinoma. Review status: no classification provided. Collection method: in vitro. Allele origin: not applicable. Functional consequence: skipped exon, retained intron. Not counted in ClinVar's aggregate classification.

Dr. Peter K. Rogan Lab, Western University
No classification provided (evidence only). Condition: Colon adenocarcinoma. Review status: no classification provided. Collection method: in vitro. Allele origin: not applicable. Functional consequence: retained intron. Not counted in ClinVar's aggregate classification.

Dr. Peter K. Rogan Lab, Western University
No classification provided (evidence only). Condition: Colorectal cancer. Review status: no classification provided. Collection method: in vitro. Allele origin: not applicable. Functional consequence: skipped exon, retained intron. Not counted in ClinVar's aggregate classification.

Dr. Peter K. Rogan Lab, Western University
No classification provided (evidence only). Condition: Colorectal cancer. Review status: no classification provided. Collection method: in vitro. Allele origin: not applicable. Functional consequence: retained intron. Not counted in ClinVar's aggregate classification.

Dr. Peter K. Rogan Lab, Western University
No classification provided (evidence only). Condition: Uterine corpus endometrial carcinoma. Review status: no classification provided. Collection method: in vitro. Allele origin: not applicable. Functional consequence: retained intron. Not counted in ClinVar's aggregate classification.

Dr. Peter K. Rogan Lab, Western University
No classification provided (evidence only). Condition: Uterine corpus endometrial carcinoma. Review status: no classification provided. Collection method: in vitro. Allele origin: not applicable. Functional consequence: retained intron. Not counted in ClinVar's aggregate classification.

Dr. Peter K. Rogan Lab, Western University
No classification provided (evidence only). Condition: Sarcoma. Review status: no classification provided. Collection method: in vitro. Allele origin: not applicable. Functional consequence: skipped exon, retained intron. Not counted in ClinVar's aggregate classification.

Dr. Peter K. Rogan Lab, Western University
No classification provided (evidence only). Condition: Sarcoma. Review status: no classification provided. Collection method: in vitro. Allele origin: not applicable. Functional consequence: skipped exon. Not counted in ClinVar's aggregate classification.

Dr. Peter K. Rogan Lab, Western University
No classification provided (evidence only). Condition: Malignant lymphoma, large B-cell, diffuse. Review status: no classification provided. Collection method: in vitro. Allele origin: not applicable. Functional consequence: retained intron. Not counted in ClinVar's aggregate classification.

Dr. Peter K. Rogan Lab, Western University
No classification provided (evidence only). Condition: Nonpapillary renal cell carcinoma. Review status: no classification provided. Collection method: in vitro. Allele origin: not applicable. Functional consequence: retained intron. Not counted in ClinVar's aggregate classification.

Dr. Peter K. Rogan Lab, Western University
No classification provided (evidence only). Condition: Thymoma. Review status: no classification provided. Collection method: in vitro. Allele origin: not applicable. Functional consequence: retained intron. Not counted in ClinVar's aggregate classification.

Dr. Peter K. Rogan Lab, Western University
No classification provided (evidence only). Condition: Thymoma. Review status: no classification provided. Collection method: in vitro. Allele origin: not applicable. Functional consequence: retained intron. Not counted in ClinVar's aggregate classification.

Dr. Peter K. Rogan Lab, Western University
No classification provided (evidence only). Condition: Adrenocortical carcinoma, hereditary. Review status: no classification provided. Collection method: in vitro. Allele origin: not applicable. Functional consequence: retained intron. Not counted in ClinVar's aggregate classification.

Dr. Peter K. Rogan Lab, Western University
No classification provided (evidence only). Condition: Adrenocortical carcinoma, hereditary. Review status: no classification provided. Collection method: in vitro. Allele origin: not applicable. Functional consequence: retained intron. Not counted in ClinVar's aggregate classification.

Dr. Peter K. Rogan Lab, Western University
No classification provided (evidence only). Condition: Uterine carcinosarcoma. Review status: no classification provided. Collection method: in vitro. Allele origin: not applicable. Functional consequence: retained intron. Not counted in ClinVar's aggregate classification.

Dr. Peter K. Rogan Lab, Western University
No classification provided (evidence only). Condition: Uterine carcinosarcoma. Review status: no classification provided. Collection method: in vitro. Allele origin: not applicable. Functional consequence: retained intron. Not counted in ClinVar's aggregate classification.

Dr. Peter K. Rogan Lab, Western University
No classification provided (evidence only). Condition: Uterine carcinosarcoma. Review status: no classification provided. Collection method: in vitro. Allele origin: not applicable. Functional consequence: retained intron. Not counted in ClinVar's aggregate classification.

Dr. Peter K. Rogan Lab, Western University
No classification provided (evidence only). Condition: Uterine carcinosarcoma. Review status: no classification provided. Collection method: in vitro. Allele origin: not applicable. Functional consequence: retained intron. Not counted in ClinVar's aggregate classification.

Dr. Peter K. Rogan Lab, Western University
No classification provided (evidence only). Condition: Uterine carcinosarcoma. Review status: no classification provided. Collection method: in vitro. Allele origin: not applicable. Functional consequence: retained intron. Not counted in ClinVar's aggregate classification.

NM_002332.3(LRP1):c.8142G>A (p.Thr2714=)

Gene: LRP1 (LDL receptor related protein 1; plus strand). Cytogenetic location: 12q13.3.
Variant type: single nucleotide variant.
Coding change: c.8142G>A on transcript NM_002332.3 (MANE Select); coding-DNA position 8142, G replaced by A.
Protein change: p.Thr2714=; no amino-acid change (threonine 2714 retained).
Molecular consequence: synonymous variant.
Genome position (GRCh38, 1-based): chr12:57,194,650, G>A. VCF-style: chr12-57194650-G-A. GRCh37 (hg19) VCF-style: chr12-57588433-G-A.
Other names: NC_000012.11:g.57588433G>A.
Identifiers: ClinVar variation 1225226 (VCV001225226.6), dbSNP rs1800141, ClinGen allele CA6644277.